The following is an entry in ClinVar:

NM_000052.7(ATP7A):c.2657G>T (p.Gly886Val)

Gene: ATP7A (ATPase copper transporting alpha; plus strand). Cytogenetic location: Xq21.1.
Variant type: single nucleotide variant.
Coding change: c.2657G>T on transcript NM_000052.7 (MANE Select); coding-DNA position 2657, G replaced by T.
Protein change: p.Gly886Val; replaces glycine 886 with valine.
Molecular consequence: missense variant.
Genome position (GRCh38, 1-based): chrX:78,020,274, G>T. VCF-style: chrX-78020274-G-T. GRCh37 (hg19) VCF-style: chrX-77275771-G-T.
Other names: c.2423G>T, p.Gly808Val (NM_001282224.2); short protein forms G886V, G808V.
Identifiers: ClinVar variation 4789448 (VCV004789448.1).

ClinVar aggregate classification (germline): Uncertain significance (1 of 4 stars; one submission).

Conditions:
Menkes kinky-hair syndrome (MNK). Also called: Menkes Disease; Copper transport disease; Classic Menkes Disease. Identifiers: Orphanet 565, MedGen C0022716, MONDO:0010651, OMIM 309400.
Cutis laxa, X-linked (OHS). Also called: EDS IX; Occipital horn syndrome. Identifiers: Orphanet 198, MedGen C0268353, MONDO:0010572, OMIM 304150.
X-linked distal spinal muscular atrophy type 3. Also called: ATP7A-Related Distal Motor Neuropathy; SPINAL MUSCULAR ATROPHY, DISTAL, X-LINKED RECESSIVE; NEURONOPATHY, DISTAL HEREDITARY MOTOR, X-LINKED; NEUROPATHY, DISTAL HEREDITARY MOTOR, X-LINKED. Identifiers: Orphanet 139557, MedGen C1845359, MONDO:0010338, OMIM 300489.

Submission:

Labcorp Genetics (formerly Invitae), Labcorp
Classification: Uncertain significance for X-linked distal spinal muscular atrophy type 3; Cutis laxa, X-linked; Menkes kinky-hair syndrome. Last evaluated: 2025-03-07. Review status: criteria provided, single submitter. Criteria: Invitae Variant Classification Sherloc (09022015). Collection method: clinical testing. Allele origin: germline.
Comment: This sequence change replaces glycine, which is neutral and non-polar, with valine, which is neutral and non-polar, at codon 886 of the ATP7A protein (p.Gly886Val). This variant is not present in population databases (gnomAD no frequency). This variant has not been reported in the literature in individuals affected with ATP7A-related conditions. Invitae Evidence Modeling of protein sequence and biophysical properties (such as structural, functional, and spatial information, amino acid conservation, physicochemical variation, residue mobility, and thermodynamic stability) has been performed for this missense variant. However, the output from this modeling did not meet the statistical confidence thresholds required to predict the impact of this variant on ATP7A protein function. In summary, the available evidence is currently insufficient to determine the role of this variant in disease. Therefore, it has been classified as a Variant of Uncertain Significance.